The following is an entry in ClinVar:

NM_005188.4(CBL):c.1252T>C (p.Phe418Leu)

Gene: CBL (Cbl proto-oncogene; plus strand). Cytogenetic location: 11q23.3.
Variant type: single nucleotide variant.
Coding change: c.1252T>C on transcript NM_005188.4 (MANE Select); coding-DNA position 1252, T replaced by C.
Protein change: p.Phe418Leu; replaces phenylalanine 418 with leucine.
Molecular consequence: missense variant.
Genome position (GRCh38, 1-based): chr11:119,278,534, T>C. VCF-style: chr11-119278534-T-C. GRCh37 (hg19) VCF-style: chr11-119149244-T-C.
Other names: short protein forms F418L.
Identifiers: ClinVar variation 3609764 (VCV003609764.2).

ClinVar aggregate classification (germline): Uncertain significance (1 of 4 stars; one submission).

Conditions:
RASopathy. Also called: rasopathies; Noonan spectrum disorder. Identifiers: Orphanet 536391, MedGen C5555857, MONDO:0021060.

gnomAD v4.1: 2 of 1,614,232 alleles (0.00012%); highest among the groups gnomAD compares: Non-Finnish European, 0.000085%; no homozygotes.

Submission:

Labcorp Genetics (formerly Invitae), Labcorp
Classification: Uncertain significance for RASopathy. Last evaluated: 2024-08-28. Review status: criteria provided, single submitter. Criteria: Invitae Variant Classification Sherloc (09022015). Collection method: clinical testing. Allele origin: germline.
Comment: This sequence change replaces phenylalanine, which is neutral and non-polar, with leucine, which is neutral and non-polar, at codon 418 of the CBL protein (p.Phe418Leu). This variant is present in population databases (rs745896960, gnomAD 0.004%). This missense change has been observed in individual(s) with CBL-related conditions (PMID: 23823657). Invitae Evidence Modeling of protein sequence and biophysical properties (such as structural, functional, and spatial information, amino acid conservation, physicochemical variation, residue mobility, and thermodynamic stability) has been performed for this missense variant. However, the output from this modeling did not meet the statistical confidence thresholds required to predict the impact of this variant on CBL protein function. In summary, the available evidence is currently insufficient to determine the role of this variant in disease. Therefore, it has been classified as a Variant of Uncertain Significance.

Literature cited by the submitters: PubMed 23823657.